The following is an entry in ClinVar:

NM_198578.4(LRRK2):c.2252A>G (p.Lys751Arg)

Gene: LRRK2 (leucine rich repeat kinase 2; plus strand). Cytogenetic location: 12q12.
Variant type: single nucleotide variant.
Coding change: c.2252A>G on transcript NM_198578.4 (MANE Select); coding-DNA position 2252, A replaced by G.
Protein change: p.Lys751Arg; replaces lysine 751 with arginine.
Molecular consequence: missense variant.
Genome position (GRCh38, 1-based): chr12:40,283,885, A>G. VCF-style: chr12-40283885-A-G. GRCh37 (hg19) VCF-style: chr12-40677687-A-G.
Other names: short protein forms K751R.
Identifiers: ClinVar variation 1788452 (VCV001788452.2), dbSNP rs2499663770, ClinGen allele CA384406320.

ClinVar aggregate classification (germline): Uncertain significance (1 of 4 stars; one submission).

Conditions:
Inborn genetic diseases. Identifiers: MedGen C0950123, MeSH D030342.

Submission:

Ambry Genetics
Classification: Uncertain significance for Inborn genetic diseases. Last evaluated: 2022-01-15. Review status: criteria provided, single submitter. Criteria: Ambry Variant Classification Scheme 2023. Collection method: clinical testing. Allele origin: germline.
Comment: The p.K751R variant (also known as c.2252A>G), located in coding exon 19 of the LRRK2 gene, results from an A to G substitution at nucleotide position 2252. The lysine at codon 751 is replaced by arginine, an amino acid with highly similar properties. This amino acid position is conserved. In addition, this alteration is predicted to be tolerated by in silico analysis. Since supporting evidence is limited at this time, the clinical significance of this alteration remains unclear.